The following is an entry in ClinVar:

NM_001369.3(DNAH5):c.5603_5604insGATGTGTATAAGAGACAGT (p.Asn1868fs)

Gene: DNAH5 (dynein axonemal heavy chain 5; minus strand). Cytogenetic location: 5p15.2.
Variant type: Insertion.
Coding change: c.5603_5604insGATGTGTATAAGAGACAGT on transcript NM_001369.3 (MANE Select); coding-DNA positions 5603 to 5604, GATGTGTATAAGAGACAGT inserted.
Protein change: p.Asn1868fs; shifts the reading frame from asparagine 1868.
Molecular consequence: frameshift variant.
Genome position: GRCh38 VCF-style: chr5-13841011-A-AACTGTCTCTTATACACATC. GRCh37 (hg19) VCF-style: chr5-13841120-A-AACTGTCTCTTATACACATC.
Other names: short protein forms N1868fs.
Identifiers: ClinVar variation 5010859 (VCV005010859.1).

ClinVar aggregate classification (germline): Pathogenic (1 of 4 stars; one submission).

Conditions:
Primary ciliary dyskinesia 3. Identifiers: Orphanet 244, MedGen C1837618, MONDO:0012085, OMIM 608644.

Submission:

Myriad Genetics, Inc.
Classification: Pathogenic for Primary ciliary dyskinesia 3. Last evaluated: 2024-05-14. Review status: criteria provided, single submitter. Criteria: Myriad Autosomal Dominant, Autosomal Recessive and X-Linked Classification Criteria (2023). Collection method: clinical testing. Allele origin: unknown.
Comment: NM_001369.2(DNAH5):c.5603_5604ins19(N1868Kfs*40) is expected to be pathogenic in the context of primary ciliary dyskinesia, DNAH5-related. This variant is predicted to lead to an abnormal or absent protein product due to the creation of a premature termination codon in DNAH5, a gene where loss-of-function variants are known to be pathogenic. Please note: this variant was assessed in the context of healthy population screening.